The following is an entry in ClinVar:

ClinVar aggregate classification (germline): Pathogenic. Review status: reviewed by expert panel (3 of 4 stars). 9 submissions from 8 submitters: Pathogenic (1). 8 of the submissions do not count toward it. Last evaluated 2017-03-17.

Conditions:
CFTR-related disorder (CFTR-RD). Also called: CFTR-related disorders; CFTR-related condition. Identifiers: MedGen C5924204, MONDO:7770004.
Cystic fibrosis (CF). Also called: MUCOVISCIDOSIS. Identifiers: Orphanet 586, MedGen C0010674, MONDO:0009061, OMIM 219700. Disease mechanism: loss of function.
Congenital bilateral aplasia of vas deferens from CFTR mutation (CBAVD). Identifiers: Orphanet 48, MedGen C0403814, MONDO:0010178, OMIM 277180. Disease mechanism: loss of function.
Bronchiectasis with or without elevated sweat chloride 1 (BESC1). Also called: Cystic Fibrosis-Like Syndrome. Identifiers: Orphanet 60033, MedGen C2749757, MONDO:0008887, OMIM 211400.
Hereditary pancreatitis (PCTT). Also called: PRSS1-Related Hereditary Pancreatitis; Hereditary chronic pancreatitis. Identifiers: Orphanet 676, MedGen C0238339, MONDO:0008185, OMIM 167800.

Submissions (9):

CFTR2
Classification: Pathogenic for Cystic fibrosis. Last evaluated: 2017-03-17. Review status: reviewed by expert panel. Criteria: Sosnay PR et al. (Nat Genet 2013). Collection method: research. Allele origin: germline. Affected: yes. Study: CFTR2.

Natera, Inc.
Classification: Pathogenic for CFTR-related disorders. Last evaluated: 2025-11-23. Review status: criteria provided, single submitter. Criteria: Natera Variant Classification Schema (03/2026). Collection method: clinical testing. Allele origin: germline. Not counted in ClinVar's aggregate classification.
Comment: The c.2453delT variant in CFTR is a frameshift variant predicted to shift the reading frame beginning at codon 818 and leads to a stop codon 3 codons downstream. This variant is expected to result in nonsense mediated decay, truncation, or a dysfunctional protein product. This variant is rare in the general population with a frequency below the threshold expected for the associated phenotype(s). This variant has been observed in one or more individuals affected with the associated recessive disease, as either homozygous or compound heterozygous with a second variant (PMID: 15858154). Given the available evidence, this variant is classified as Pathogenic.

Labcorp Genetics (formerly Invitae), Labcorp
Classification: Pathogenic for Cystic fibrosis. Last evaluated: 2025-07-10. Review status: criteria provided, single submitter. Criteria: Invitae Variant Classification Sherloc (09022015). Collection method: clinical testing. Allele origin: germline. Not counted in ClinVar's aggregate classification.
Comment: This sequence change creates a premature translational stop signal (p.Leu818Trpfs*3) in the CFTR gene. It is expected to result in an absent or disrupted protein product. Loss-of-function variants in CFTR are known to be pathogenic (PMID: 1695717, 7691345, 9725922). This variant is not present in population databases (gnomAD no frequency). This premature translational stop signal has been observed in individual(s) with cystic fibrosis (PMID: 23974870). ClinVar contains an entry for this variant (Variation ID: 66102). For these reasons, this variant has been classified as Pathogenic.

Ambry Genetics
Classification: Pathogenic for Cystic fibrosis. Last evaluated: 2024-08-16. Review status: criteria provided, single submitter. Criteria: Ambry Variant Classification Scheme 2023. Collection method: clinical testing. Allele origin: germline. Not counted in ClinVar's aggregate classification.
Comment: The c.2453delT pathogenic mutation (also known as 2585delT), located in coding exon 14 of the CFTR gene, results from a deletion of one nucleotide at nucleotide position 2453, causing a translational frameshift with a predicted alternate stop codon (p.L818Wfs*3). This mutation was identified in an individual with clinical symptoms of cystic fibrosis in conjunction with p.F508del (Schrijver I et al. J Mol Diagn, 2005 May;7:289-99). This pathogenic mutation is associated with elevated sweat chloride levels and pancreatic insufficiency (Sosnay PR et al. Nat. Genet., 2013 Oct;45:1160-7). In addition to the clinical data presented in the literature, this alteration is expected to result in loss of function by premature protein truncation or nonsense-mediated mRNA decay. As such, this alteration is interpreted as a disease-causing mutation.

Baylor Genetics
Classification: Pathogenic for Bronchiectasis with or without elevated sweat chloride 1. Last evaluated: 2024-01-04. Review status: criteria provided, single submitter. Criteria: ACMG Guidelines, 2015. Collection method: clinical testing. Allele origin: unknown. Not counted in ClinVar's aggregate classification.

Fulgent Genetics
Classification: Pathogenic for Hereditary pancreatitis; Bronchiectasis with or without elevated sweat chloride 1; Cystic fibrosis; Congenital bilateral aplasia of vas deferens from CFTR mutation. Last evaluated: 2021-07-29. Review status: criteria provided, single submitter. Criteria: ACMG Guidelines, 2015. Collection method: clinical testing. Allele origin: unknown. Not counted in ClinVar's aggregate classification.

Women's Health and Genetics/Laboratory Corporation of America, LabCorp
Classification: Pathogenic for Cystic fibrosis. Last evaluated: 2021-04-26. Review status: criteria provided, single submitter. Criteria: LabCorp Variant Classification Summary - May 2015. Collection method: clinical testing. Allele origin: germline. Not counted in ClinVar's aggregate classification.
Comment: Variant summary: CFTR c.2453delT (p.Leu818TrpfsX3) results in a premature termination codon, predicted to cause a truncation of the encoded protein or absence of the protein due to nonsense mediated decay, which are commonly known mechanisms for disease. Truncations downstream of this position have been classified as pathogenic by our laboratory. The variant was absent in 186888 control chromosomes. c.2453delT has been reported in the literature in multiple individuals affected with Cystic Fibrosis (e.g. Schrijver_2005, Sosnay_2013). These data indicate that the variant is very likely to be associated with disease. To our knowledge, no experimental evidence demonstrating an impact on protein function has been reported. Two other clinical diagnostic laboratories have submitted clinical-significance assessments for this variant to ClinVar after 2014 without evidence for independent evaluation. Both laboratories cited the variant as pathogenic. Based on the evidence outlined above, the variant was classified as pathogenic.

Johns Hopkins Genomics, Johns Hopkins University
Classification: Pathogenic for Cystic fibrosis. Last evaluated: 2019-10-15. Review status: criteria provided, single submitter. Criteria: ACMG Guidelines, 2015. Collection method: clinical testing. Allele origin: germline. Not counted in ClinVar's aggregate classification.
Comment: See CFTR2 for phenotype information.

Baylor Genetics
Classification: Pathogenic for Congenital bilateral aplasia of vas deferens from CFTR mutation; Cystic fibrosis. Review status: criteria provided, single submitter. Criteria: ACMG Guidelines, 2015. Collection method: clinical testing. Allele origin: germline. Not counted in ClinVar's aggregate classification.

Literature cited by the submitters: PubMed 15858154 (cited by 3 submitters); PubMed 1695717 (cited by Labcorp Genetics (formerly Invitae), Labcorp); PubMed 7691345 (cited by Labcorp Genetics (formerly Invitae), Labcorp); PubMed 9725922 (cited by Labcorp Genetics (formerly Invitae), Labcorp); PubMed 23974870 (cited by 3 submitters); PubMed 30888834 (cited by Women's Health and Genetics/Laboratory Corporation of America, LabCorp).

NM_000492.4(CFTR):c.2453del (p.Leu818fs)

Gene: CFTR (CF transmembrane conductance regulator; plus strand). Cytogenetic location: 7q31.2.
Variant type: Deletion.
Coding change: c.2453del on transcript NM_000492.4 (MANE Select); coding-DNA position 2453, one base deleted (T; older notation c.2453delT).
Protein change: p.Leu818fs; shifts the reading frame from leucine 818.
Molecular consequence: frameshift variant.
Genome position (GRCh38, 1-based): chr7:117,592,620, T deleted; the last of 2 consecutive T bases (chr7:117,592,619-117,592,620); deleting either gives the same sequence. VCF-style (leftmost placement, unchanged base first): chr7-117592618-CT-C. GRCh37 (hg19) VCF-style: chr7-117232672-CT-C.
Other names: 2585delT; c.2453delT (NM_000492.3); short protein forms L818fs.
Identifiers: ClinVar variation 66102 (VCV000066102.18), dbSNP rs397515498, ClinGen allele CA264801.